The following is an entry in ClinVar:

ClinVar aggregate classification (germline): Benign/Likely benign. Review status: criteria provided, multiple submitters, no conflicts (2 of 4 stars). 9 submissions from 9 submitters: Benign (3); Likely benign (6). Last evaluated 2026-09-01.

Conditions:
Muscular dystrophy-dystroglycanopathy (congenital with brain and eye anomalies), type A9. Also called: WALKER-WARBURG SYNDROME OR MUSCLE-EYE BRAIN DISEASE, DAG1-RELATED; Muscular dystrophy-dystroglycanopathy (congenital with brain and eye anomalies), type a, 9. Identifiers: Orphanet 370997, Orphanet 899, MedGen C4225291, MONDO:0014683, OMIM 616538.
Autosomal recessive limb-girdle muscular dystrophy type 2P. Also called: MUSCULAR DYSTROPHY-DYSTROGLYCANOPATHY, LIMB-GIRDLE, DAG1-RELATED; Limb-Girdle Muscular Dystrophy Type 9C; MUSCULAR DYSTROPHY, LIMB-GIRDLE, TYPE 2P. Identifiers: Orphanet 280333, MedGen C4511963, MONDO:0013440, OMIM 613818.

Allele frequency attached by ClinVar (database versions not stated): 1000 Genomes Project 0.00080; 1000 Genomes Project 30x 0.00094; TOPMed 0.00153; gnomAD 0.00160 and 0.00167; ESP Exome Variant Server 0.00177; gnomAD exomes 0.00202 and 0.00210; ExAC 0.00225.
gnomAD v4.1: 3,297 of 1,614,194 alleles (0.2%); highest among the groups gnomAD compares: Non-Finnish European, 0.25%; 8 homozygotes.

Submissions (9):

CeGaT Center for Human Genetics Tuebingen
Classification: Benign. Last evaluated: 2026-09-01. Review status: criteria provided, single submitter. Criteria: CeGaT Center For Human Genetics Tuebingen Variant Classification Criteria Version 2. Collection method: clinical testing. Allele origin: germline. Affected: yes. Observed: 6 variant alleles.
Comment: DAG1: BS1, BS2

Labcorp Genetics (formerly Invitae), Labcorp
Classification: Likely benign for Autosomal recessive limb-girdle muscular dystrophy type 2P; Muscular dystrophy-dystroglycanopathy (congenital with brain and eye anomalies), type A9. Last evaluated: 2026-01-27. Review status: criteria provided, single submitter. Criteria: Invitae Variant Classification Sherloc (09022015). Collection method: clinical testing. Allele origin: germline.

Women's Health and Genetics/Laboratory Corporation of America, LabCorp
Classification: Likely benign. Last evaluated: 2025-02-18. Review status: criteria provided, single submitter. Criteria: LabCorp Variant Classification Summary - May 2015. Collection method: clinical testing. Allele origin: germline.
Comment: Variant summary: DAG1 c.599C>G (p.Thr200Ser) results in a conservative amino acid change in the encoded protein sequence. Three of five in-silico tools predict a benign effect of the variant on protein function. The variant allele was found at a frequency of 0.002 in 251490 control chromosomes in the gnomAD database, including 1 homozygotes. The observed variant frequency is approximately 1.8 fold of the estimated maximal expected allele frequency for a pathogenic variant in DAG1 causing Muscular dystrophy-dystroglycanopathy (congenital with brain and eye anomalies), type A9 phenotype (0.0011). To our knowledge, no occurrence of c.599C>G in individuals affected with Muscular dystrophy-dystroglycanopathy (congenital with brain and eye anomalies), type A9 and no experimental evidence demonstrating its impact on protein function have been reported. ClinVar contains an entry for this variant (Variation ID: 196388). Based on the evidence outlined above, the variant was classified as likely benign.

Athena Diagnostics
Classification: Likely benign. Last evaluated: 2024-12-20. Review status: criteria provided, single submitter. Criteria: Athena Diagnostics Criteria. Collection method: clinical testing. Allele origin: unknown.
Comment: The frequency of this variant in the general population is higher than would generally be expected for pathogenic variants in this gene.

Mayo Clinic Laboratories, Mayo Clinic
Classification: Benign. Last evaluated: 2024-02-01. Review status: criteria provided, single submitter. Criteria: ACMG Guidelines, 2015. Collection method: clinical testing. Allele origin: germline. Observed: 4 variant alleles.
Comment: BS1, BS2

GeneDx
Classification: Likely benign. Last evaluated: 2020-10-21. Review status: criteria provided, single submitter. Criteria: GeneDx Variant Classification Process June 2021. Collection method: clinical testing. Allele origin: germline. Affected: yes.
Comment: This variant is associated with the following publications: (PMID: 24036952, 28008999)

Eurofins Ntd Llc (ga)
Classification: Likely benign. Last evaluated: 2015-11-10. Review status: criteria provided, single submitter. Criteria: EGL Classification Definitions 2015. Collection method: clinical testing. Allele origin: germline. Observed: 6 variant alleles, 6 heterozygotes.

Breakthrough Genomics
Classification: Likely benign. Review status: criteria provided, single submitter. Criteria: ACMG Guidelines, 2015. Collection method: not provided. Allele origin: germline. Inheritance: Autosomal recessive inheritance. Affected: yes.

PreventionGenetics, part of Exact Sciences
Classification: Benign. Review status: criteria provided, single submitter. Criteria: ACMG Guidelines, 2015. Collection method: clinical testing. Allele origin: germline.

NM_004393.6(DAG1):c.599C>G (p.Thr200Ser)

Gene: DAG1 (dystroglycan 1; plus strand). Cytogenetic location: 3p21.31.
Variant type: single nucleotide variant.
Coding change: c.599C>G on transcript NM_004393.6 (MANE Select); coding-DNA position 599, C replaced by G.
Protein change: p.Thr200Ser; replaces threonine 200 with serine.
Molecular consequence: missense variant.
Genome position (GRCh38, 1-based): chr3:49,531,110, C>G. VCF-style: chr3-49531110-C-G. GRCh37 (hg19) VCF-style: chr3-49568543-C-G.
Other names: c.599C>G, p.Thr200Ser (NM_001165928.4, NM_001177634.3, NM_001177635.3 and 9 more transcripts); short protein forms T200S.
Identifiers: ClinVar variation 196388 (VCV000196388.44), dbSNP rs41290704, ClinGen allele CA243321.